The following is an entry in ClinVar:

NM_152383.5(DIS3L2):c.1108A>G (p.Lys370Glu)

Gene: DIS3L2 (DIS3 like 3'-5' exoribonuclease 2; plus strand). Cytogenetic location: 2q37.1.
Variant type: single nucleotide variant.
Coding change: c.1108A>G on transcript NM_152383.5 (MANE Select); coding-DNA position 1108, A replaced by G.
Protein change: p.Lys370Glu; replaces lysine 370 with glutamic acid.
Molecular consequence: missense variant. On other transcripts: non-coding transcript variant (2).
Genome position (GRCh38, 1-based): chr2:232,163,616, A>G. VCF-style: chr2-232163616-A-G. GRCh37 (hg19) VCF-style: chr2-233028326-A-G.
Other names: c.1108A>G, p.Lys370Glu (NM_001257281.2); short protein forms K370E.
Identifiers: ClinVar variation 2737735 (VCV002737735.3), dbSNP rs2469895861, ClinGen allele CA351154497.

ClinVar aggregate classification (germline): Uncertain significance (1 of 4 stars; one submission).

Conditions:
Perlman syndrome (PRLMNS). Identifiers: Orphanet 2849, MedGen C0796113, MONDO:0009965, OMIM 267000.

Submission:

Labcorp Genetics (formerly Invitae), Labcorp
Classification: Uncertain significance for Perlman syndrome. Last evaluated: 2022-12-29. Review status: criteria provided, single submitter. Criteria: Invitae Variant Classification Sherloc (09022015). Collection method: clinical testing. Allele origin: germline.
Comment: This sequence change replaces lysine, which is basic and polar, with glutamic acid, which is acidic and polar, at codon 370 of the DIS3L2 protein (p.Lys370Glu). This variant is not present in population databases (gnomAD no frequency). This variant has not been reported in the literature in individuals affected with DIS3L2-related conditions. Advanced modeling of protein sequence and biophysical properties (such as structural, functional, and spatial information, amino acid conservation, physicochemical variation, residue mobility, and thermodynamic stability) performed at Invitae indicates that this missense variant is not expected to disrupt DIS3L2 protein function. In summary, the available evidence is currently insufficient to determine the role of this variant in disease. Therefore, it has been classified as a Variant of Uncertain Significance.